The following is an entry in ClinVar:

NM_000368.5(TSC1):c.2523C>T (p.Val841=)

Gene: TSC1 (TSC complex subunit 1; minus strand). Cytogenetic location: 9q34.13.
Variant type: single nucleotide variant.
Coding change: c.2523C>T on transcript NM_000368.5 (MANE Select); coding-DNA position 2523, C replaced by T.
Protein change: p.Val841=; no amino-acid change (valine 841 retained).
Molecular consequence: synonymous variant.
Genome position (GRCh38, 1-based): chr9:132,900,817, G>A on the plus strand (C>T on the coding strand, the complement: TSC1 is on the minus strand). VCF-style: chr9-132900817-G-A. GRCh37 (hg19) VCF-style: chr9-135776204-G-A.
Other names: c.2520C>T, p.Val840= (NM_001162426.2); c.2370C>T, p.Val790= (NM_001162427.2); c.2160C>T, p.Val720= (NM_001362177.2).
Identifiers: ClinVar variation 64773 (VCV000064773.12), dbSNP rs397514825, ClinGen allele CA006623.
Genomic context (GRCh38, chr9:132,900,817, plus strand): 5'-GAGCTCGTTGACCTCCCCAAGAACCAACAGCTGCCTGTTCAAGAACTCCATCTGCTGCTG[G>A]ACCGACTCACTGTTTGAGAGCTAACCAAAAAACATGAGCAAAGTGAAAAATCCGACGACA-3'
Protein context (NP_000359.1, residues 831-851): VSQKLSNSES[Val841=]QQQMEFLNRQ

ClinVar aggregate classification (germline): Benign/Likely benign. Review status: criteria provided, multiple submitters, no conflicts (2 of 4 stars). 4 submissions from 4 submitters: Benign (1); Likely benign (2). 1 of the submissions does not count toward it. Last evaluated 2025-05-12.

Conditions:
Tuberous sclerosis syndrome (TSC). Also called: Tuberous Sclerosis Complex; Tuberous sclerosis. Identifiers: Orphanet 805, MedGen C0041341, MONDO:0001734.
Tuberous sclerosis 1 (TSC1). Identifiers: Orphanet 805, MedGen C1854465, MONDO:0008612, OMIM 191100.
Hereditary cancer-predisposing syndrome. Also called: Tumor predisposition; Hereditary Cancer Syndrome; Neoplastic Syndromes, Hereditary; Hereditary neoplastic syndrome. Identifiers: Orphanet 140162, MedGen C0027672, MeSH D009386, MONDO:0015356.

Submissions (4):

Labcorp Genetics (formerly Invitae), Labcorp
Classification: Likely benign for Tuberous sclerosis 1. Last evaluated: 2025-05-12. Review status: criteria provided, single submitter. Criteria: Invitae Variant Classification Sherloc (09022015). Collection method: clinical testing. Allele origin: germline.

Myriad Genetics, Inc.
Classification: Benign for Tuberous sclerosis 1. Last evaluated: 2025-04-25. Review status: criteria provided, single submitter. Criteria: Myriad Autosomal Dominant, Autosomal Recessive and X-Linked Classification Criteria (2023). Collection method: clinical testing. Allele origin: unknown.
Comment: This variant is considered benign. This variant is a silent/synonymous amino acid change and it is not expected to impact splicing.

Ambry Genetics
Classification: Likely benign for Hereditary cancer-predisposing syndrome. Last evaluated: 2020-11-03. Review status: criteria provided, single submitter. Criteria: Ambry Variant Classification Scheme 2023. Collection method: clinical testing. Allele origin: germline.

Tuberous sclerosis database (TSC1)
No classification provided. Condition: TSC. Review status: no classification provided. Criteria: Tuberous Sclerosis Database Assertion Criteria 2015. Collection method: curation. Allele origin: germline. Affected: yes. Not counted in ClinVar's aggregate classification.